The following is an entry in ClinVar:

ClinVar aggregate classification (germline): Uncertain significance (1 of 4 stars; one submission).

Conditions:
Cardiovascular phenotype. Identifiers: MedGen CN230736.

Submission:

Ambry Genetics
Classification: Uncertain significance for Cardiovascular phenotype. Last evaluated: 2024-12-06. Review status: criteria provided, single submitter. Criteria: Ambry Variant Classification Scheme 2023. Collection method: clinical testing. Allele origin: germline.
Comment: The p.A2281T variant (also known as c.6841G>A), located in coding exon 47 of the DMD gene, results from a G to A substitution at nucleotide position 6841. The alanine at codon 2281 is replaced by threonine, an amino acid with similar properties. This amino acid position is well conserved in available vertebrate species. In addition, this alteration is predicted to be tolerated by in silico analysis. Based on the available evidence, the clinical significance of this variant remains unclear.

NM_004006.3(DMD):c.6841G>A (p.Ala2281Thr)

Gene: DMD (dystrophin; minus strand). Cytogenetic location: Xp21.1.
Variant type: single nucleotide variant.
Coding change: c.6841G>A on transcript NM_004006.3 (MANE Select); coding-DNA position 6841, G replaced by A.
Protein change: p.Ala2281Thr; replaces alanine 2281 with threonine.
Molecular consequence: missense variant. On other transcripts: 5 prime UTR variant (5).
Genome position (GRCh38, 1-based): chrX:31,929,667, C>T on the plus strand (G>A on the coding strand, the complement: DMD is on the minus strand). VCF-style: chrX-31929667-C-T. GRCh37 (hg19) VCF-style: chrX-31947784-C-T.
Other names: c.6817G>A, p.Ala2273Thr (NM_000109.4); c.6829G>A, p.Ala2277Thr (NM_004009.3); c.6472G>A, p.Ala2158Thr (NM_004010.3); c.2818G>A, p.Ala940Thr (NM_004011.4); c.2809G>A, p.Ala937Thr (NM_004012.4); c.-540G>A (NM_004013.3, NM_004020.4, NM_004021.3 and 2 more transcripts); short protein forms A937T, A2281T, A940T, A2158T, A2273T, A2277T.
Identifiers: ClinVar variation 3502632 (VCV003502632.1).